The following is an entry in ClinVar:

ClinVar aggregate classification (germline): Uncertain significance (1 of 4 stars; one submission).

Conditions:
Microcephaly, normal intelligence and immunodeficiency (NBS). Also called: Nijmegen breakage syndrome; Microcephaly with normal intelligence immunodeficiency and lymphoreticular malignancies; Nonsyndromal microcephaly autosomal recessive with normal intelligence; Seemanova syndrome 2; IMMUNODEFICIENCY, MICROCEPHALY, AND CHROMOSOMAL INSTABILITY; BERLIN BREAKAGE SYNDROME. Identifiers: Orphanet 647, MedGen C0398791, MONDO:0009623, OMIM 251260.

Submission:

Labcorp Genetics (formerly Invitae), Labcorp
Classification: Uncertain significance for Microcephaly, normal intelligence and immunodeficiency. Last evaluated: 2021-10-12. Review status: criteria provided, single submitter. Criteria: Invitae Variant Classification Sherloc (09022015). Collection method: clinical testing. Allele origin: germline.
Comment: In summary, the available evidence is currently insufficient to determine the role of this variant in disease. Therefore, it has been classified as a Variant of Uncertain Significance. Algorithms developed to predict the effect of sequence changes on RNA splicing suggest that this variant may create or strengthen a splice site. Algorithms developed to predict the effect of missense changes on protein structure and function output the following: SIFT: "Tolerated"; PolyPhen-2: "Benign"; Align-GVGD: "Class C0". The valine amino acid residue is found in multiple mammalian species, which suggests that this missense change does not adversely affect protein function. This variant has not been reported in the literature in individuals affected with NBN-related conditions. This variant is not present in population databases (ExAC no frequency). This sequence change replaces alanine with valine at codon 372 of the NBN protein (p.Ala372Val). The alanine residue is moderately conserved and there is a small physicochemical difference between alanine and valine.

NM_002485.5(NBN):c.1115C>T (p.Ala372Val)

Gene: NBN (nibrin; minus strand). Cytogenetic location: 8q21.3.
Variant type: single nucleotide variant.
Coding change: c.1115C>T on transcript NM_002485.5 (MANE Select); coding-DNA position 1115, C replaced by T.
Protein change: p.Ala372Val; replaces alanine 372 with valine.
Molecular consequence: missense variant.
Genome position (GRCh38, 1-based): chr8:89,958,734, G>A on the plus strand (C>T on the coding strand, the complement: NBN is on the minus strand). VCF-style: chr8-89958734-G-A. GRCh37 (hg19) VCF-style: chr8-90970962-G-A.
Other names: c.869C>T, p.Ala290Val (NM_001024688.3); short protein forms A290V, A372V.
Identifiers: ClinVar variation 1430711 (VCV001430711.6), dbSNP rs587781438, ClinGen allele CA371656575.
Genomic context (GRCh38, chr8:89,958,734, plus strand): 5'-TTAATTTATTGATAGAATAATAACAATAGTACGGTAATGAAGAAGCTTTACCATGTATCT[G>A]CTTGCTCTGATTCTGTGTCAGCTACGTATGTTGTAGTGTTCACTGGGGCGCTTGGCATTA-3'
Protein context (NP_002476.2, residues 362-382): TYVADTESEQ[Ala372Val]DTWDLSERPK